The following is an entry in ClinVar:

NM_138387.4(G6PC3):c.485T>C (p.Ile162Thr)

Gene: G6PC3 (glucose-6-phosphatase catalytic subunit 3; plus strand). Cytogenetic location: 17q21.31.
Variant type: single nucleotide variant.
Coding change: c.485T>C on transcript NM_138387.4 (MANE Select); coding-DNA position 485, T replaced by C.
Protein change: p.Ile162Thr; replaces isoleucine 162 with threonine.
Molecular consequence: missense variant. On other transcripts: intron variant (1).
Genome position (GRCh38, 1-based): chr17:44,075,037, T>C. VCF-style: chr17-44075037-T-C. GRCh37 (hg19) VCF-style: chr17-42152405-T-C.
Other names: c.140T>C, p.Ile47Thr (NM_001384165.1, NM_001384166.1, NM_001384167.1 and 1 more transcripts); c.416+267T>C (NM_001319945.2); short protein forms I47T, I162T.
Identifiers: ClinVar variation 3518056 (VCV003518056.2).

ClinVar aggregate classification (germline): Uncertain significance. Review status: criteria provided, multiple submitters, no conflicts (2 of 4 stars). 2 submissions from 2 submitters: Uncertain significance (2). Last evaluated 2025-08-13.

Conditions:
Inborn genetic diseases. Identifiers: MedGen C0950123, MeSH D030342.

gnomAD v4.1: 2 of 1,614,134 alleles (0.00012%); highest among the groups gnomAD compares: Non-Finnish European, 0.00017%; no homozygotes.

Submissions (2):

GeneDx
Classification: Uncertain significance. Last evaluated: 2025-08-13. Review status: criteria provided, single submitter. Criteria: GeneDx Variant Classification Process June 2021. Collection method: clinical testing. Allele origin: germline. Affected: yes.
Comment: Not observed at significant frequency in large population cohorts (gnomAD); In silico analysis supports that this missense variant has a deleterious effect on protein structure/function; Has not been previously published as pathogenic or benign to our knowledge

Ambry Genetics
Classification: Uncertain significance for Inborn genetic diseases. Last evaluated: 2024-11-23. Review status: criteria provided, single submitter. Criteria: Ambry Variant Classification Scheme 2023. Collection method: clinical testing. Allele origin: germline.
Comment: The p.I162T variant (also known as c.485T>C), located in coding exon 4 of the G6PC3 gene, results from a T to C substitution at nucleotide position 485. The isoleucine at codon 162 is replaced by threonine, an amino acid with similar properties. This amino acid position is conserved. In addition, the in silico prediction for this alteration is inconclusive. Based on the available evidence, the clinical significance of this variant remains unclear.